The following is an entry in ClinVar:

NM_001164508.2(NEB):c.5763+1G>A

Gene: NEB (nebulin; minus strand). Cytogenetic location: 2q23.3.
Variant type: single nucleotide variant.
Coding change: c.5763+1G>A on transcript NM_001164508.2 (MANE Select); the canonical splice donor site of the intron after coding-DNA position 5763, G replaced by A.
Molecular consequence: splice donor variant.
Genome position (GRCh38, 1-based): chr2:151,663,547, C>T on the plus strand (G>A on the coding strand, the complement: NEB is on the minus strand). VCF-style: chr2-151663547-C-T. GRCh37 (hg19) VCF-style: chr2-152520061-C-T.
Other names: c.5763+1G>A (NM_004543.5, NM_001164507.2, NM_001271208.2).
Identifiers: ClinVar variation 1345880 (VCV001345880.7), dbSNP rs2154172204, ClinGen allele CA348807013.

ClinVar aggregate classification (germline): Likely pathogenic. Review status: criteria provided, multiple submitters, no conflicts (2 of 4 stars). 2 submissions from 2 submitters: Likely pathogenic (2). Last evaluated 2024-06-15.

Conditions:
Arthrogryposis multiplex congenita 6. Identifiers: MedGen C5543431, MONDO:0030281, OMIM 619334.
Nemaline myopathy 2 (NEM2). Also called: Nemaline myopathy 2, autosomal recessive. Identifiers: MedGen C1850569, MONDO:0009725, OMIM 256030.

Submissions (2):

Fulgent Genetics
Classification: Likely pathogenic for Nemaline myopathy 2; Arthrogryposis multiplex congenita 6. Last evaluated: 2024-06-15. Review status: criteria provided, single submitter. Criteria: ACMG Guidelines, 2015. Collection method: clinical testing. Allele origin: germline.

Labcorp Genetics (formerly Invitae), Labcorp
Classification: Likely pathogenic for Nemaline myopathy 2. Last evaluated: 2021-11-26. Review status: criteria provided, single submitter. Criteria: Invitae Variant Classification Sherloc (09022015). Collection method: clinical testing. Allele origin: germline.
Comment: In summary, the currently available evidence indicates that the variant is pathogenic, but additional data are needed to prove that conclusively. Therefore, this variant has been classified as Likely Pathogenic. Algorithms developed to predict the effect of sequence changes on RNA splicing suggest that this variant may disrupt the consensus splice site. This variant has not been reported in the literature in individuals affected with NEB-related conditions. This variant is not present in population databases (gnomAD no frequency). This sequence change affects a donor splice site in intron 45 of the NEB gene. It is expected to disrupt RNA splicing. Variants that disrupt the donor or acceptor splice site typically lead to a loss of protein function (PMID: 16199547), and loss-of-function variants in NEB are known to be pathogenic (PMID: 25205138).

Literature cited by the submitters: PubMed 16199547 (cited by Labcorp Genetics (formerly Invitae), Labcorp); PubMed 25205138 (cited by Labcorp Genetics (formerly Invitae), Labcorp).